The following is an entry in ClinVar:

NM_000551.4(VHL):c.341-1G>T

Genes: VHL (von Hippel-Lindau tumor suppressor; plus strand), LOC107303340 (3p25 von Hippel-Lindau tumor suppressor, E3 ubiquitin protein ligase Alu-mediated recombination region; plus strand). Cytogenetic location: 3p25.3.
Variant type: single nucleotide variant.
Coding change: c.341-1G>T on transcript NM_000551.4 (MANE Select); the canonical splice acceptor site of the intron before coding-DNA position 341, G replaced by T.
Molecular consequence: splice acceptor variant. On other transcripts: intron variant (2).
Genome position (GRCh38, 1-based): chr3:10,146,513, G>T. VCF-style: chr3-10146513-G-T. GRCh37 (hg19) VCF-style: chr3-10188197-G-T.
Other names: NC_000003.11:g.10188197G>T; c.*18-3274G>T (NM_001354723.2); c.341-3274G>T (NM_198156.3).
Identifiers: ClinVar variation 2674429 (VCV002674429.2), dbSNP rs1575927648, ClinGen allele CA351753597.

ClinVar aggregate classification (germline): Pathogenic (1 of 4 stars; one submission).

Conditions:
Von Hippel-Lindau syndrome (VHLS). Also called: Von Hippel-Lindau; von Hippel–Lindau syndrome; VHL syndrome. Identifiers: Orphanet 892, MedGen C0019562, MONDO:0008667, OMIM 193300. Disease mechanism: loss of function.

Submissions (2):

Myriad Genetics, Inc.
Classification: Pathogenic for Von Hippel-Lindau syndrome. Last evaluated: 2023-09-14. Review status: criteria provided, single submitter. Criteria: Myriad Autosomal Dominant, Autosomal Recessive and X-Linked Classification Criteria (2023). Collection method: clinical testing. Allele origin: unknown.
Comment: This variant is considered pathogenic. This variant occurs within a consensus splice junction and is predicted to result in abnormal mRNA splicing of either an out-of-frame exon or an in-frame exon necessary for protein stability and/or normal function. Functional studies indicate this variant impacts protein function [PMID: 20567917]. This variant has been reported in multiple individuals with clinical features of gene-specific disease [PMID: 20567917, 17661816, 31368132, 17024664].

Dr. Peter K. Rogan Lab, Western University
No classification provided (evidence only). Condition: Clear cell carcinoma of kidney. Review status: no classification provided. Collection method: in vitro. Allele origin: not applicable. Functional consequence: retained intron. Not counted in ClinVar's aggregate classification.

Literature cited by the submitters: PubMed 20567917 (cited by Myriad Genetics, Inc.); PubMed 17661816 (cited by Myriad Genetics, Inc.); PubMed 31368132 (cited by Myriad Genetics, Inc.); PubMed 17024664 (cited by Myriad Genetics, Inc.).